The following is an entry in ClinVar:

ClinVar aggregate classification (germline): Uncertain significance (1 of 4 stars; one submission).

Submission:

Labcorp Genetics (formerly Invitae), Labcorp
Classification: Uncertain significance. Last evaluated: 2024-02-04. Review status: criteria provided, single submitter. Criteria: Invitae Variant Classification Sherloc (09022015). Collection method: clinical testing. Allele origin: germline.
Comment: This sequence change replaces glycine, which is neutral and non-polar, with tryptophan, which is neutral and slightly polar, at codon 4428 of the FAT4 protein (p.Gly4428Trp). This variant is not present in population databases (gnomAD no frequency). This variant has not been reported in the literature in individuals affected with FAT4-related conditions. An algorithm developed to predict the effect of missense changes on protein structure and function (PolyPhen-2) suggests that this variant is likely to be disruptive. In summary, the available evidence is currently insufficient to determine the role of this variant in disease. Therefore, it has been classified as a Variant of Uncertain Significance.

NM_001291303.3(FAT4):c.13288G>T (p.Gly4430Trp)

Gene: FAT4 (FAT atypical cadherin 4; plus strand). Cytogenetic location: 4q28.1.
Variant type: single nucleotide variant.
Coding change: c.13288G>T on transcript NM_001291303.3 (MANE Select); coding-DNA position 13288, G replaced by T.
Protein change: p.Gly4430Trp; replaces glycine 4430 with tryptophan.
Molecular consequence: missense variant.
Genome position (GRCh38, 1-based): chr4:125,490,104, G>T. VCF-style: chr4-125490104-G-T. GRCh37 (hg19) VCF-style: chr4-126411259-G-T.
Other names: c.13285G>T, p.Gly4429Trp (NM_001291285.3); c.13282G>T, p.Gly4428Trp (NM_024582.6); short protein forms G4430W, G4428W, G4429W.
Identifiers: ClinVar variation 3630445 (VCV003630445.2).